The following is an entry in ClinVar:

NM_024741.3(ZNF408):c.1757G>A (p.Arg586His)

Gene: ZNF408 (zinc finger protein 408; plus strand). Cytogenetic location: 11p11.2.
Variant type: single nucleotide variant.
Coding change: c.1757G>A on transcript NM_024741.3 (MANE Select); coding-DNA position 1757, G replaced by A.
Protein change: p.Arg586His; replaces arginine 586 with histidine.
Molecular consequence: missense variant.
Genome position (GRCh38, 1-based): chr11:46,705,457, G>A. VCF-style: chr11-46705457-G-A. GRCh37 (hg19) VCF-style: chr11-46727007-G-A.
Other names: c.1733G>A, p.Arg578His (NM_001184751.2); short protein forms R578H, R586H.
Identifiers: ClinVar variation 2160694 (VCV002160694.5), dbSNP rs199874966, ClinGen allele CA5966638.
Genomic context (GRCh38, chr11:46,705,457, plus strand): 5'-TCCGAGCTCACGAGCGCCTGCACTCCGGAGAGAGGCCCTTTCCCTGTCCCCAGTGTGGCC[G>A]TGCTTACACGCTGGCCACCAAGCTGCGGCGCCACCTCAAATCTCACTTGGAGGACAAGCC-3'
Protein context (NP_079017.1, residues 576-596): ERPFPCPQCG[Arg586His]AYTLATKLRR

ClinVar aggregate classification (germline): Uncertain significance. Review status: criteria provided, multiple submitters, no conflicts (2 of 4 stars). 2 submissions from 2 submitters: Uncertain significance (2). Last evaluated 2025-01-29.

Allele frequency attached by ClinVar (database versions not stated): gnomAD exomes 0.00002; ExAC 0.00003; gnomAD 0.00006; TOPMed 0.00008.

Submissions (2):

Labcorp Genetics (formerly Invitae), Labcorp
Classification: Uncertain significance. Last evaluated: 2025-01-29. Review status: criteria provided, single submitter. Criteria: Invitae Variant Classification Sherloc (09022015). Collection method: clinical testing. Allele origin: germline.
Comment: This sequence change replaces arginine, which is basic and polar, with histidine, which is basic and polar, at codon 586 of the ZNF408 protein (p.Arg586His). This variant is present in population databases (rs199874966, gnomAD 0.05%). This missense change has been observed in individual(s) with familial exudative vitreoretinopathy (PMID: 30452590). This variant is also known as c.1733G>A, p.R578H. ClinVar contains an entry for this variant (Variation ID: 2160694). An algorithm developed to predict the effect of missense changes on protein structure and function outputs the following: PolyPhen-2: "Probably Damaging". The histidine amino acid residue is found in multiple mammalian species, which suggests that this missense change does not adversely affect protein function. In summary, the available evidence is currently insufficient to determine the role of this variant in disease. Therefore, it has been classified as a Variant of Uncertain Significance.

Blueprint Genetics
Classification: Uncertain significance. Last evaluated: 2022-10-17. Review status: criteria provided, single submitter. Criteria: ACMG Guidelines, 2015. Collection method: clinical testing. Allele origin: germline.

Literature cited by the submitters: PubMed 30452590 (cited by Labcorp Genetics (formerly Invitae), Labcorp).